The following is an entry in ClinVar:

ClinVar aggregate classification (germline): Likely pathogenic (1 of 4 stars; one submission).

Conditions:
Neurodevelopmental disorder with microcephaly, epilepsy, and brain atrophy. Identifiers: MedGen C4693390, MONDO:0060640, OMIM 617862.

Submission:

Kasturba Medical College, Manipal, Kasturba Medical College, Manipal, Manipal Academy of Higher Education, Manipal, India
Classification: Likely pathogenic for Neurodevelopmental disorder with microcephaly, epilepsy, and brain atrophy. Review status: criteria provided, single submitter. Criteria: ACMG Guidelines, 2015. Collection method: clinical testing. Allele origin: biparental. Inheritance: Autosomal recessive inheritance. Affected: yes. Observed: 1 homozygote.
Comment: In-silico analysis tools suchas SpliceAI predict the variant to cause aberrant splicing. The variant c.268-2_268-1del was previouslyreported in four patients from the same family (Almousa et al. 2024).

NM_001079537.2(TRAPPC6B):c.268-2_268-1del

Gene: TRAPPC6B (trafficking protein particle complex subunit 6B; minus strand). Cytogenetic location: 14q21.1.
Variant type: Deletion.
Coding change: c.268-2_268-1del on transcript NM_001079537.2 (MANE Select); the canonical splice acceptor site of the intron before coding-DNA position 268, 2 bases deleted (AG; older notation c.268-2_268-1delAG).
Molecular consequence: splice acceptor variant. On other transcripts: intron variant (1).
Genome position (GRCh38, 1-based): chr14:39,154,295-39,154,296, CT deleted on the plus strand (AG on the coding strand, the reverse complement: TRAPPC6B is on the minus strand). VCF-style (leftmost placement, unchanged base first): chr14-39154294-CCT-C. GRCh37 (hg19) VCF-style: chr14-39623498-CCT-C.
Other names: c.268-2457_268-2456del (NM_177452.4).
Identifiers: ClinVar variation 3255618 (VCV003255618.2).
Genomic context (GRCh38, chr14:39,154,294, plus strand): 5'-GTTTTCCTGCAGACATCTGAGTAAGCAGGCGAAATTTGTTGTCCTGAAGTACATAGATGC[CCT>C]GTTCCAAAAATAGAAAAAAAATCCAAAGTCAATGTACCTAGCAGTCCTTAAAATTATTTT-3'